The following is an entry in ClinVar:

NM_021620.4(PRDM13):c.847G>C (p.Gly283Arg)

Gene: PRDM13 (PR/SET domain 13; plus strand). Cytogenetic location: 6q16.2.
Variant type: single nucleotide variant.
Coding change: c.847G>C on transcript NM_021620.4 (MANE Select); coding-DNA position 847, G replaced by C.
Protein change: p.Gly283Arg; replaces glycine 283 with arginine.
Molecular consequence: missense variant.
Genome position (GRCh38, 1-based): chr6:99,613,482, G>C. VCF-style: chr6-99613482-G-C. GRCh37 (hg19) VCF-style: chr6-100061358-G-C.
Other names: short protein forms G283R.
Identifiers: ClinVar variation 956998 (VCV000956998.9), dbSNP rs1770067597, ClinGen allele CA365116648.
Genomic context (GRCh38, chr6:99,613,482, plus strand): 5'-GGAGCCGCCCGAGGACAAGGGCACTTCCTCGGCATCGTGGGCGGCTCCTCGGCGGGGGTC[G>C]GCAGCCTGGCTTTCTACCCCGGCGTGCGCTCAGCTTTCAAGCCCGCCGGCCTAGCGAGGG-3'
Protein context (NP_067633.2, residues 273-293): GIVGGSSAGV[Gly283Arg]SLAFYPGVRS

ClinVar aggregate classification (germline): Uncertain significance (1 of 4 stars; one submission).

Allele frequency attached by ClinVar (database versions not stated): gnomAD exomes below 0.00001.
gnomAD v4.1: 1 of 1,529,456 alleles (0.000065%); highest among the groups gnomAD compares: Non-Finnish European, 0.000087%; no homozygotes.

Submission:

Labcorp Genetics (formerly Invitae), Labcorp
Classification: Uncertain significance. Last evaluated: 2019-08-14. Review status: criteria provided, single submitter. Criteria: Invitae Variant Classification Sherloc (09022015). Collection method: clinical testing. Allele origin: germline.
Comment: This sequence change replaces glycine with arginine at codon 283 of the PRDM13 protein (p.Gly283Arg). The glycine residue is moderately conserved and there is a moderate physicochemical difference between glycine and arginine. In summary, the available evidence is currently insufficient to determine the role of this variant in disease. Therefore, it has been classified as a Variant of Uncertain Significance. Algorithms developed to predict the effect of missense changes on protein structure and function (SIFT, PolyPhen-2, Align-GVGD) all suggest that this variant is likely to be disruptive, but these predictions have not been confirmed by published functional studies and their clinical significance is uncertain. This variant has not been reported in the literature in individuals with PRDM13-related conditions. The frequency data for this variant in the population databases is considered unreliable, as metrics indicate insufficient coverage at this position in the ExAC database.